The following is an entry in ClinVar:

NM_005826.5(HNRNPR):c.1583G>T (p.Gly528Val)

Gene: HNRNPR (heterogeneous nuclear ribonucleoprotein R; minus strand). Cytogenetic location: 1p36.12.
Variant type: single nucleotide variant.
Coding change: c.1583G>T on transcript NM_005826.5 (MANE Select); coding-DNA position 1583, G replaced by T.
Protein change: p.Gly528Val; replaces glycine 528 with valine.
Molecular consequence: missense variant.
Genome position (GRCh38, 1-based): chr1:23,310,773, C>A on the plus strand (G>T on the coding strand, the complement: HNRNPR is on the minus strand). VCF-style: chr1-23310773-C-A. GRCh37 (hg19) VCF-style: chr1-23637266-C-A.
Other names: c.1280G>T, p.Gly427Val (NM_001102397.3); c.1592G>T, p.Gly531Val (NM_001102398.3); c.1289G>T, p.Gly430Val (NM_001102399.3); c.1469G>T, p.Gly490Val (NM_001297620.2); c.1103G>T, p.Gly368Val (NM_001297621.2); c.1166G>T, p.Gly389Val (NM_001297622.2); c.1406G>T, p.Gly469Val (NM_001437727.1); c.1583G>T, p.Gly528Val (NM_001438564.1); short protein forms G368V, G389V, G427V, G430V, G469V, G490V, G528V, G531V.
Identifiers: ClinVar variation 4681078 (VCV004681078.1).

ClinVar aggregate classification (germline): Uncertain significance (1 of 4 stars; one submission).

gnomAD v4.1: 1 of 1,613,938 alleles (0.000062%); highest among the groups gnomAD compares: Non-Finnish European, 0.000085%; no homozygotes.

Submission:

GeneDx
Classification: Uncertain significance. Last evaluated: 2025-06-30. Review status: criteria provided, single submitter. Criteria: GeneDx Variant Classification Process June 2021. Collection method: clinical testing. Allele origin: germline. Affected: yes.
Comment: Not observed at significant frequency in large population cohorts (gnomAD); In silico analysis supports that this missense variant has a deleterious effect on protein structure/function; Has not been previously published as pathogenic or benign to our knowledge